The following is an entry in ClinVar:

ClinVar aggregate classification (germline): Likely benign. Review status: criteria provided, multiple submitters, no conflicts (2 of 4 stars). 3 submissions from 3 submitters: Likely benign (3). Last evaluated 2025-11-21.

Conditions:
Inborn genetic diseases. Identifiers: MedGen C0950123, MeSH D030342.
Deafness-lymphedema-leukemia syndrome. Also called: Emberger syndrome; Lymphedema, primary, with myelodysplasia. Identifiers: Orphanet 3226, MedGen C3279664, MONDO:0013540, OMIM 614038.
Monocytopenia with susceptibility to infections. Also called: MONOCYTOPENIA AND MYCOBACTERIAL INFECTION SYNDROME; MONOCYTOPENIA WITH SUSCEPTIBILITY TO MYCOBACTERIAL, FUNGAL, AND PAPILLOMAVIRUS INFECTIONS AND MYELODYSPLASIA; COMBINED IMMUNODEFICIENCY WITH SUSCEPTIBILITY TO MYCOBACTERIAL, VIRAL, AND FUNGAL INFECTIONS; Dendritic cell, monocyte, B lymphocyte, and natural killer lymphocyte deficiency; IMMUNODEFICIENCY 21; GATA2 DEFICIENCY. Identifiers: Orphanet 228423, MedGen C3280030, MONDO:0013607, OMIM 614172.

Allele frequency attached by ClinVar (database versions not stated): TOPMed below 0.00001; gnomAD 0.00001.

Submissions (3):

Mayo Clinic Laboratories, Mayo Clinic
Classification: Likely benign. Last evaluated: 2025-11-21. Review status: criteria provided, single submitter. Criteria: ACMG Guidelines, 2015. Collection method: clinical testing. Allele origin: germline. Observed: 1 variant allele.
Comment: BP4, BP7, PM2_supporting

Ambry Genetics
Classification: Likely benign for Inborn genetic diseases. Last evaluated: 2025-05-15. Review status: criteria provided, single submitter. Criteria: Ambry Variant Classification Scheme 2023. Collection method: clinical testing. Allele origin: germline.

Labcorp Genetics (formerly Invitae), Labcorp
Classification: Likely benign for Monocytopenia with susceptibility to infections; Deafness-lymphedema-leukemia syndrome. Last evaluated: 2024-04-30. Review status: criteria provided, single submitter. Criteria: Invitae Variant Classification Sherloc (09022015). Collection method: clinical testing. Allele origin: germline.

NM_032638.5(GATA2):c.1077A>G (p.Leu359=)

Gene: GATA2 (GATA binding protein 2; minus strand). Cytogenetic location: 3q21.3.
Variant type: single nucleotide variant.
Coding change: c.1077A>G on transcript NM_032638.5 (MANE Select); coding-DNA position 1077, A replaced by G.
Protein change: p.Leu359=; no amino-acid change (leucine 359 retained).
Molecular consequence: synonymous variant.
Genome position (GRCh38, 1-based): chr3:128,481,885, T>C on the plus strand (A>G on the coding strand, the complement: GATA2 is on the minus strand). VCF-style: chr3-128481885-T-C. GRCh37 (hg19) VCF-style: chr3-128200728-T-C.
Other names: p.Leu359=; c.1077A>G, p.Leu359= (NM_001145661.2); c.1035A>G, p.Leu345= (NM_001145662.1).
Identifiers: ClinVar variation 2059373 (VCV002059373.6), dbSNP rs1174464035, ClinGen allele CA435525579.